The following is an entry in ClinVar:

NM_000455.5(STK11):c.597+1G>A

Gene: STK11 (serine/threonine kinase 11; plus strand). Cytogenetic location: 19p13.3.
Variant type: single nucleotide variant.
Coding change: c.597+1G>A on transcript NM_000455.5 (MANE Select); the canonical splice donor site of the intron after coding-DNA position 597, G replaced by A.
Molecular consequence: splice donor variant.
Genome position (GRCh38, 1-based): chr19:1,220,506, G>A. VCF-style: chr19-1220506-G-A. GRCh37 (hg19) VCF-style: chr19-1220505-G-A.
Other names: c.597+1G>A (NM_001407255.1).
Identifiers: ClinVar variation 1750786 (VCV001750786.2), dbSNP rs886039554, ClinGen allele CA402949333.

ClinVar aggregate classification (germline): Pathogenic (1 of 4 stars; one submission).

Conditions:
Hereditary cancer-predisposing syndrome. Also called: Hereditary Cancer Syndrome; Hereditary neoplastic syndrome; Neoplastic Syndromes, Hereditary; Tumor predisposition. Identifiers: Orphanet 140162, MedGen C0027672, MeSH D009386, MONDO:0015356.

Submission:

Ambry Genetics
Classification: Pathogenic for Hereditary cancer-predisposing syndrome. Last evaluated: 2019-08-01. Review status: criteria provided, single submitter. Criteria: Ambry Variant Classification Scheme 2023. Collection method: clinical testing. Allele origin: germline.
Comment: The c.597+1G>A intronic pathogenic mutation results from a G to A substitution one nucleotide after coding exon 4 of the STK11 gene. This alteration was identified in a mother and daughter with a clinical diagnosis of Peutz-Jeghers syndrome; cDNA analysis performed demonstrated this alteration causes skipping of exon 4 (Papp J et al. BMC Med. Genet. 2010 Nov;11:169). Two other alterations at this nucleotide (c.597+1G>T and c.597+1G>C) have also been described in patients with Peutz-Jeghers syndrome (Mehenni H et al. Gut. 2006; 55:984-90; Hearle N et al. Clin. Cancer Res. 2006; 12:3209-15). In addition to the clinical data presented in the literature, alterations that disrupt the canonical splice site are expected to cause aberrant splicing, resulting in an abnormal protein or a transcript that is subject to nonsense-mediated mRNA decay. As such, this alteration is classified as a disease-causing mutation.

Literature cited by the submitters: PubMed 16407375; PubMed 21118512.